The following is an entry in ClinVar:

ClinVar aggregate classification (germline): Uncertain significance. Review status: criteria provided, multiple submitters, no conflicts (2 of 4 stars). 2 submissions from 2 submitters: Uncertain significance (2). Last evaluated 2026-03-05.

Conditions:
Inborn genetic diseases. Identifiers: MedGen C0950123, MeSH D030342.

gnomAD v4.1: 28 of 1,595,868 alleles (0.0018%); highest among the groups gnomAD compares: African/African-American, 0.038%; no homozygotes.

Submissions (2):

GeneDx
Classification: Uncertain significance. Last evaluated: 2026-03-05. Review status: criteria provided, single submitter. Criteria: GeneDx Variant Classification Process June 2021. Collection method: clinical testing. Allele origin: germline.
Comment: In silico analysis supports that this missense variant has a deleterious effect on protein structure/function; Has not been previously published as pathogenic or benign to our knowledge

Ambry Genetics
Classification: Uncertain significance for Inborn genetic diseases. Last evaluated: 2025-05-03. Review status: criteria provided, single submitter. Criteria: Ambry Variant Classification Scheme 2023. Collection method: clinical testing. Allele origin: germline.

NM_003906.5(MCM3AP):c.3844A>G (p.Ser1282Gly)

Gene: MCM3AP (minichromosome maintenance complex component 3 associated protein; minus strand). Cytogenetic location: 21q22.3.
Variant type: single nucleotide variant.
Coding change: c.3844A>G on transcript NM_003906.5 (MANE Select); coding-DNA position 3844, A replaced by G.
Protein change: p.Ser1282Gly; replaces serine 1282 with glycine.
Molecular consequence: missense variant.
Genome position (GRCh38, 1-based): chr21:46,256,877, T>C on the plus strand (A>G on the coding strand, the complement: MCM3AP is on the minus strand). VCF-style: chr21-46256877-T-C. GRCh37 (hg19) VCF-style: chr21-47676791-T-C.
Other names: c.3844A>G (NM_003906.4); short protein forms S1282G.
Identifiers: ClinVar variation 4052633 (VCV004052633.2).